The following is an entry in ClinVar:

NM_004859.4(CLTC):c.3876T>G (p.Asp1292Glu)

Gene: CLTC (clathrin heavy chain; plus strand). Cytogenetic location: 17q23.1.
Variant type: single nucleotide variant.
Coding change: c.3876T>G on transcript NM_004859.4 (MANE Select); coding-DNA position 3876, T replaced by G.
Protein change: p.Asp1292Glu; replaces aspartic acid 1292 with glutamic acid.
Molecular consequence: missense variant.
Genome position (GRCh38, 1-based): chr17:59,683,097, T>G. VCF-style: chr17-59683097-T-G. GRCh37 (hg19) VCF-style: chr17-57760458-T-G.
Other names: c.3888T>G, p.Asp1296Glu (NM_001288653.2); short protein forms D1296E, D1292E.
Identifiers: ClinVar variation 3647807 (VCV003647807.2).

ClinVar aggregate classification (germline): Uncertain significance (1 of 4 stars; one submission).

Submission:

Labcorp Genetics (formerly Invitae), Labcorp
Classification: Uncertain significance. Last evaluated: 2024-03-27. Review status: criteria provided, single submitter. Criteria: Invitae Variant Classification Sherloc (09022015). Collection method: clinical testing. Allele origin: germline.
Comment: This sequence change replaces aspartic acid, which is acidic and polar, with glutamic acid, which is acidic and polar, at codon 1296 of the CLTC protein (p.Asp1296Glu). This variant is not present in population databases (gnomAD no frequency). This variant has not been reported in the literature in individuals affected with CLTC-related conditions. Experimental studies and prediction algorithms are not available or were not evaluated, and the functional significance of this variant is currently unknown. In summary, the available evidence is currently insufficient to determine the role of this variant in disease. Therefore, it has been classified as a Variant of Uncertain Significance.